The following is an entry in ClinVar:

ClinVar aggregate classification (germline): Uncertain significance (1 of 4 stars; one submission).

Conditions:
Familial hemiplegic migraine. Identifiers: MedGen C0338484, MONDO:0000700.

Submission:

Labcorp Genetics (formerly Invitae), Labcorp
Classification: Uncertain significance for Familial hemiplegic migraine. Last evaluated: 2024-12-18. Review status: criteria provided, single submitter. Criteria: Invitae Variant Classification Sherloc (09022015). Collection method: clinical testing. Allele origin: germline.
Comment: This sequence change replaces glutamine, which is neutral and polar, with arginine, which is basic and polar, at codon 64 of the ATP1A2 protein (p.Gln64Arg). This variant is not present in population databases (gnomAD no frequency). This variant has not been reported in the literature in individuals affected with ATP1A2-related conditions. Invitae Evidence Modeling of protein sequence and biophysical properties (such as structural, functional, and spatial information, amino acid conservation, physicochemical variation, residue mobility, and thermodynamic stability) indicates that this missense variant is not expected to disrupt ATP1A2 protein function with a negative predictive value of 80%. In summary, the available evidence is currently insufficient to determine the role of this variant in disease. Therefore, it has been classified as a Variant of Uncertain Significance.

NM_000702.4(ATP1A2):c.191A>G (p.Gln64Arg)

Gene: ATP1A2 (ATPase Na+/K+ transporting subunit alpha 2; plus strand). Cytogenetic location: 1q23.2.
Variant type: single nucleotide variant.
Coding change: c.191A>G on transcript NM_000702.4 (MANE Select); coding-DNA position 191, A replaced by G.
Protein change: p.Gln64Arg; replaces glutamine 64 with arginine.
Molecular consequence: missense variant.
Genome position (GRCh38, 1-based): chr1:160,123,226, A>G. VCF-style: chr1-160123226-A-G. GRCh37 (hg19) VCF-style: chr1-160093016-A-G.
Other names: short protein forms Q64R.
Identifiers: ClinVar variation 3702938 (VCV003702938.2).